The following is an entry in ClinVar:

NM_000258.3(MYL3):c.70G>A (p.Ala24Thr)

Gene: MYL3 (myosin light chain 3; minus strand). Cytogenetic location: 3p21.31.
Variant type: single nucleotide variant.
Coding change: c.70G>A on transcript NM_000258.3 (MANE Select); coding-DNA position 70, G replaced by A.
Protein change: p.Ala24Thr; replaces alanine 24 with threonine.
Molecular consequence: missense variant.
Genome position (GRCh38, 1-based): chr3:46,863,321, C>T on the plus strand (G>A on the coding strand, the complement: MYL3 is on the minus strand). VCF-style: chr3-46863321-C-T. GRCh37 (hg19) VCF-style: chr3-46904811-C-T.
Other names: short protein forms A24T.
Identifiers: ClinVar variation 903017 (VCV000903017.10), dbSNP rs758048820, ClinGen allele CA73781991.
Genomic context (GRCh38, chr3:46,863,321, plus strand): 5'-CCTTGATCTTGGAAGCATCAAACTCGACCTCCTTAGGGCGCTCAGGCTCAGGGGGAGGTG[C>T]GGGAGCTGGAGCTGCCTTGGGGGCTGCCTTGGCATCATCCTTCTTGGGCTCTGGCTTTTT-3'
Protein context (NP_000249.1, residues 14-34): KAAPKAAPAP[Ala24Thr]PPPEPERPKE

ClinVar aggregate classification (germline): Uncertain significance. Review status: criteria provided, multiple submitters, no conflicts (2 of 4 stars). 4 submissions from 4 submitters: Uncertain significance (4). Last evaluated 2024-06-29.

Conditions:
Cardiovascular phenotype. Identifiers: MedGen CN230736.
Hypertrophic cardiomyopathy 8. Also called: CARDIOMYOPATHY, HYPERTROPHIC, MID-LEFT VENTRICULAR CHAMBER TYPE, 1; MYL3-Related Familial Hypertrophic Cardiomyopathy. Identifiers: MedGen C1837471, MONDO:0012111, OMIM 608751.
Hypertrophic cardiomyopathy. Also called: HYPERTROPHIC MYOCARDIOPATHY. Identifiers: Orphanet 217569, MedGen C0007194, MeSH D002312, MONDO:0005045, HP:0001639.

Allele frequency attached by ClinVar (database versions not stated): gnomAD 0.00001; gnomAD exomes 0.00001; TOPMed 0.00002.

Submissions (4):

Labcorp Genetics (formerly Invitae), Labcorp
Classification: Uncertain significance for Hypertrophic cardiomyopathy. Last evaluated: 2024-06-29. Review status: criteria provided, single submitter. Criteria: Invitae Variant Classification Sherloc (09022015). Collection method: clinical testing. Allele origin: germline.
Comment: This sequence change replaces alanine, which is neutral and non-polar, with threonine, which is neutral and polar, at codon 24 of the MYL3 protein (p.Ala24Thr). This variant is present in population databases (rs758048820, gnomAD 0.007%). This variant has not been reported in the literature in individuals affected with MYL3-related conditions. ClinVar contains an entry for this variant (Variation ID: 903017). Algorithms developed to predict the effect of missense changes on protein structure and function output the following: SIFT: "Not Available"; PolyPhen-2: "Not Available"; Align-GVGD: "Not Available". The threonine amino acid residue is found in multiple mammalian species, which suggests that this missense change does not adversely affect protein function. In summary, the available evidence is currently insufficient to determine the role of this variant in disease. Therefore, it has been classified as a Variant of Uncertain Significance.

All of Us Research Program, National Institutes of Health
Classification: Uncertain significance for Hypertrophic cardiomyopathy. Last evaluated: 2023-10-30. Review status: criteria provided, single submitter. Criteria: ACMG Guidelines, 2015. Collection method: clinical testing. Allele origin: germline. Inheritance: Autosomal dominant inheritance. Observed: 2 variant alleles, 2 heterozygotes.
Comment: Variant of Uncertain Significance due to insufficient evidence: This missense variant is located in the proline-rich region of the MYL3 protein. Computational prediction tools and conservation analyses are inconclusive regarding the impact of this variant on the protein function. Computational splicing tools suggest that this variant may not impact RNA splicing. To our knowledge, functional assays have not been performed for this variant nor has this variant been reported in individuals affected with cardiovascular disorders in the literature. This variant has been identified in 1/30956 chromosomes in the general population by the Genome Aggregation Database (gnomAD). Available evidence is insufficient to determine the role of this variant in disease conclusively.

This study involves interpretation of variants in research participants for the purpose of population health screening. Participant phenotype was not available at the time of variant classification. Additional details can be found in publication PMID: 35346344, PMCID: PMC8962531

Ambry Genetics
Classification: Uncertain significance for Cardiovascular phenotype. Last evaluated: 2023-09-06. Review status: criteria provided, single submitter. Criteria: Ambry Variant Classification Scheme 2023. Collection method: clinical testing. Allele origin: germline.
Comment: The p.A24T variant (also known as c.70G>A), located in coding exon 1 of the MYL3 gene, results from a G to A substitution at nucleotide position 70. The alanine at codon 24 is replaced by threonine, an amino acid with similar properties. This amino acid position is highly conserved in available vertebrate species. In addition, this alteration is predicted to be tolerated by in silico analysis. Since supporting evidence is limited at this time, the clinical significance of this alteration remains unclear.

Illumina Laboratory Services, Illumina
Classification: Uncertain significance for Hypertrophic cardiomyopathy 8. Last evaluated: 2018-01-12. Review status: criteria provided, single submitter. Criteria: ICSL Variant Classification Criteria 13 December 2019. Collection method: clinical testing. Allele origin: germline.